The following is an entry in ClinVar:

ClinVar aggregate classification (germline): Pathogenic/Likely pathogenic. Review status: criteria provided, multiple submitters, no conflicts (2 of 4 stars). 3 submissions from 3 submitters: Pathogenic (2); Likely pathogenic (1). Last evaluated 2025-09-16.

Conditions:
Inborn genetic diseases. Identifiers: MedGen C0950123, MeSH D030342.
Amyotrophic lateral sclerosis type 5 (ALS5). Also called: AMYOTROPHIC LATERAL SCLEROSIS 5, JUVENILE. Identifiers: Orphanet 300605, MedGen C1865864, MONDO:0011196, OMIM 602099.
Charcot-Marie-Tooth disease axonal type 2X. Also called: CHARCOT-MARIE-TOOTH DISEASE, AXONAL, AUTOSOMAL RECESSIVE, TYPE 2X; CHARCOT-MARIE-TOOTH NEUROPATHY, TYPE 2X. Identifiers: Orphanet 466775, MedGen C5569024, MONDO:0014726, OMIM 616668.
Hereditary spastic paraplegia 11. Also called: SPASTIC PARAPLEGIA, AUTOSOMAL RECESSIVE, COMPLICATED, WITH THIN CORPUS CALLOSUM; SPASTIC PARAPLEGIA, AUTOSOMAL RECESSIVE, WITH MENTAL IMPAIRMENT AND THIN CORPUS CALLOSUM; Spastic paraplegia, mental retardation and thin corpus callosum; Nakamura Osame syndrome; Autosomal recessive hereditary spastic paraplegia, mental impairment, and thin corpus callosum; Spastic Paraplegia 11. Identifiers: Orphanet 2822, MedGen C1858479, MONDO:0011445, OMIM 604360.

Allele frequency attached by ClinVar (database versions not stated): TOPMed 0.00001; ExAC 0.00002; gnomAD 0.00002; gnomAD exomes 0.00002.
gnomAD v4.1: 19 of 1,613,770 alleles (0.0012%); highest among the groups gnomAD compares: South Asian, 0.0011%; no homozygotes.

Submissions (3):

Labcorp Genetics (formerly Invitae), Labcorp
Classification: Likely pathogenic for Hereditary spastic paraplegia 11. Last evaluated: 2025-09-16. Review status: criteria provided, single submitter. Criteria: Invitae Variant Classification Sherloc (09022015). Collection method: clinical testing. Allele origin: germline.
Comment: This sequence change affects an acceptor splice site in intron 1 of the SPG11 gene. It is expected to disrupt RNA splicing. Variants that disrupt the donor or acceptor splice site typically lead to a loss of protein function (PMID: 16199547), and loss-of-function variants in SPG11 are known to be pathogenic (PMID: 19105190, 20110243, 22154821, 26556829). This variant is present in population databases (rs781665076, gnomAD 0.05%). Disruption of this splice site has been observed in individual(s) with hereditary spastic paraplegia (PMID: 19917823). ClinVar contains an entry for this variant (Variation ID: 1499692). Algorithms developed to predict the effect of sequence changes on RNA splicing suggest that this variant may disrupt the consensus splice site. In summary, the currently available evidence indicates that the variant is pathogenic, but additional data are needed to prove that conclusively. Therefore, this variant has been classified as Likely Pathogenic.

Fulgent Genetics
Classification: Pathogenic for Amyotrophic lateral sclerosis type 5; Hereditary spastic paraplegia 11; Charcot-Marie-Tooth disease axonal type 2X. Last evaluated: 2024-04-18. Review status: criteria provided, single submitter. Criteria: ACMG Guidelines, 2015. Collection method: clinical testing. Allele origin: germline.

Ambry Genetics
Classification: Pathogenic for Inborn genetic diseases. Last evaluated: 2021-04-30. Review status: criteria provided, single submitter. Criteria: Ambry Variant Classification Scheme 2023. Collection method: clinical testing. Allele origin: germline.
Comment: The c.258-2A>C intronic pathogenic mutation results from an A to C substitution two nucleotides before coding exon 2 in the SPG11 gene. This variant is considered to be rare based on population cohorts in the Genome Aggregation Database (gnomAD). In silico splice site analysis predicts that this alteration will weaken the native splice acceptor site and will result in the creation or strengthening of a novel splice acceptor site. Alterations that disrupt the canonical splice site are expected to cause aberrant splicing, resulting in an abnormal protein or a transcript that is subject to nonsense-mediated mRNA decay. As such, this alteration is classified as a disease-causing mutation.

Literature cited by the submitters: PubMed 16199547 (cited by Labcorp Genetics (formerly Invitae), Labcorp); PubMed 19105190 (cited by Labcorp Genetics (formerly Invitae), Labcorp); PubMed 20110243 (cited by Labcorp Genetics (formerly Invitae), Labcorp); PubMed 22154821 (cited by Labcorp Genetics (formerly Invitae), Labcorp); PubMed 26556829 (cited by Labcorp Genetics (formerly Invitae), Labcorp); PubMed 19917823 (cited by Labcorp Genetics (formerly Invitae), Labcorp).

NM_025137.4(SPG11):c.258-2A>C

Gene: SPG11 (SPG11 vesicle trafficking associated, spatacsin; minus strand). Cytogenetic location: 15q21.1.
Variant type: single nucleotide variant.
Coding change: c.258-2A>C on transcript NM_025137.4 (MANE Select); the canonical splice acceptor site of the intron before coding-DNA position 258, A replaced by C.
Molecular consequence: splice acceptor variant.
Genome position (GRCh38, 1-based): chr15:44,660,618, T>G on the plus strand (A>C on the coding strand, the complement: SPG11 is on the minus strand). VCF-style: chr15-44660618-T-G. GRCh37 (hg19) VCF-style: chr15-44952816-T-G.
Other names: c.258-2A>C (NM_001411132.1, NM_001160227.2).
Identifiers: ClinVar variation 1499692 (VCV001499692.11), dbSNP rs781665076, ClinGen allele CA7535887.